The following is an entry in ClinVar:

ClinVar aggregate classification (germline): Uncertain significance (1 of 4 stars; one submission).

Submission:

Labcorp Genetics (formerly Invitae), Labcorp
Classification: Uncertain significance. Last evaluated: 2023-12-19. Review status: criteria provided, single submitter. Criteria: Invitae Variant Classification Sherloc (09022015). Collection method: clinical testing. Allele origin: germline.
Comment: This sequence change replaces proline, which is neutral and non-polar, with arginine, which is basic and polar, at codon 29 of the TOP1MT protein (p.Pro29Arg). This variant is not present in population databases (gnomAD no frequency). This variant has not been reported in the literature in individuals affected with TOP1MT-related conditions. Advanced modeling of protein sequence and biophysical properties (such as structural, functional, and spatial information, amino acid conservation, physicochemical variation, residue mobility, and thermodynamic stability) performed at Invitae indicates that this missense variant is not expected to disrupt TOP1MT protein function with a negative predictive value of 80%. In summary, the available evidence is currently insufficient to determine the role of this variant in disease. Therefore, it has been classified as a Variant of Uncertain Significance.

NM_052963.3(TOP1MT):c.86C>G (p.Pro29Arg)

Gene: TOP1MT (DNA topoisomerase I mitochondrial; minus strand). Cytogenetic location: 8q24.3.
Variant type: single nucleotide variant.
Coding change: c.86C>G on transcript NM_052963.3 (MANE Select); coding-DNA position 86, C replaced by G.
Protein change: p.Pro29Arg; replaces proline 29 with arginine.
Molecular consequence: missense variant. On other transcripts: intron variant (2).
Genome position (GRCh38, 1-based): chr8:143,334,776, G>C on the plus strand (C>G on the coding strand, the complement: TOP1MT is on the minus strand). VCF-style: chr8-143334776-G-C. GRCh37 (hg19) VCF-style: chr8-144416946-G-C.
Other names: c.-172-3437C>G (NM_001258447.1, NM_001258446.1); short protein forms P29R.
Identifiers: ClinVar variation 2704019 (VCV002704019.3), dbSNP rs777447001, ClinGen allele CA372424459.
Genomic context (GRCh38, chr8:143,334,776, plus strand): 5'-CGCCTGCTCACTGGGACACCTTACCTGGCTCCACTGCCCTTCTGCGTCCTGCGCGAGCCC[G>C]GGACACCCCGGGAGGCCGGGCGGCGGGGGACCTCCCCGAGCAGCGTCAGAGCCGCCCGGA-3'
Protein context (NP_443195.1, residues 19-39): VPRRPASRGV[Pro29Arg]GSRRTQKGSG